The following is an entry in ClinVar:

ClinVar aggregate classification (germline): Uncertain significance (1 of 4 stars; one submission).

Conditions:
Inflammatory skin and bowel disease, neonatal, 1. Identifiers: Orphanet 294023, MedGen C3280501, MONDO:0013693, OMIM 614328.

Allele frequency attached by ClinVar (database versions not stated): gnomAD exomes below 0.00001.
gnomAD v4.1: 2 of 1,575,316 alleles (0.00013%); highest among the groups gnomAD compares: Non-Finnish European, 0.00017%; no homozygotes.

Submission:

Labcorp Genetics (formerly Invitae), Labcorp
Classification: Uncertain significance for Inflammatory skin and bowel disease, neonatal, 1. Last evaluated: 2020-03-23. Review status: criteria provided, single submitter. Criteria: Invitae Variant Classification Sherloc (09022015). Collection method: clinical testing. Allele origin: germline.
Comment: In summary, the available evidence is currently insufficient to determine the role of this variant in disease. Therefore, it has been classified as a Variant of Uncertain Significance. Algorithms developed to predict the effect of missense changes on protein structure and function output the following: SIFT: "Not Available"; PolyPhen-2: "Benign"; Align-GVGD: "Not Available". The glutamic acid amino acid residue is found in multiple mammalian species, suggesting that this missense change does not adversely affect protein function. These predictions have not been confirmed by published functional studies and their clinical significance is uncertain. This variant has not been reported in the literature in individuals with ADAM17-related conditions. This variant is not present in population databases (ExAC no frequency). This sequence change replaces lysine with glutamic acid at codon 160 of the ADAM17 protein (p.Lys160Glu). The lysine residue is moderately conserved and there is a small physicochemical difference between lysine and glutamic acid.

NM_003183.6(ADAM17):c.478A>G (p.Lys160Glu)

Gene: ADAM17 (ADAM metallopeptidase domain 17; minus strand). Cytogenetic location: 2p25.1.
Variant type: single nucleotide variant.
Coding change: c.478A>G on transcript NM_003183.6 (MANE Select); coding-DNA position 478, A replaced by G.
Protein change: p.Lys160Glu; replaces lysine 160 with glutamic acid.
Molecular consequence: missense variant. On other transcripts: 5 prime UTR variant (2).
Genome position (GRCh38, 1-based): chr2:9,527,927, T>C on the plus strand (A>G on the coding strand, the complement: ADAM17 is on the minus strand). VCF-style: chr2-9527927-T-C. GRCh37 (hg19) VCF-style: chr2-9668056-T-C.
Other names: c.-203A>G (NM_001382777.1); c.-445A>G (NM_001382778.1); short protein forms K160E.
Identifiers: ClinVar variation 1042442 (VCV001042442.7), dbSNP rs1664592673, ClinGen allele CA345784362.